The following is an entry in ClinVar:

NM_005548.3(KARS1):c.1133C>T (p.Pro378Leu)

Gene: KARS1 (lysyl-tRNA synthetase 1; minus strand). Cytogenetic location: 16q23.1.
Variant type: single nucleotide variant.
Coding change: c.1133C>T on transcript NM_005548.3 (MANE Select); coding-DNA position 1133, C replaced by T.
Protein change: p.Pro378Leu; replaces proline 378 with leucine.
Molecular consequence: missense variant.
Genome position (GRCh38, 1-based): chr16:75,631,535, G>A on the plus strand (C>T on the coding strand, the complement: KARS1 is on the minus strand). VCF-style: chr16-75631535-G-A. GRCh37 (hg19) VCF-style: chr16-75665433-G-A.
Other names: c.1217C>T, p.Pro406Leu (NM_001130089.2); c.665C>T, p.Pro222Leu (NM_001378148.1); short protein forms P222L, P378L, P406L.
Identifiers: ClinVar variation 5002826 (VCV005002826.1).

ClinVar aggregate classification (germline): Uncertain significance (1 of 4 stars; one submission).

Conditions:
Charcot-Marie-Tooth disease recessive intermediate B. Also called: CHARCOT-MARIE-TOOTH NEUROPATHY, RECESSIVE INTERMEDIATE B. Identifiers: Orphanet 254334, MedGen C3150897, MONDO:0013338, OMIM 613641.

gnomAD v4.1: 2 of 1,613,972 alleles (0.00012%); highest among the groups gnomAD compares: Admixed American, 0.0017%; no homozygotes.

Submission:

OLLIN Analises Genomicas, OLLIN
Classification: Uncertain significance for Charcot-Marie-Tooth disease recessive intermediate B. Last evaluated: 2026-08-06. Review status: criteria provided, single submitter. Criteria: ACMG Guidelines 2015 PMID 25741868. Collection method: clinical testing. Allele origin: germline. Inheritance: Autosomal recessive inheritance.
Comment: This missense variant, located in exon 9 (of 14), has been observed in gnomAD with an allele frequency of 0.00012%, but has not been reported in ClinVar or identified in the literature. In silico analysis is inconclusive regarding the impact of this variant. According to the currently available evidence, this variant has been classified as uncertain significance (PM2_P).